The following is an entry in ClinVar:

ClinVar aggregate classification (germline): Pathogenic/Likely pathogenic. Review status: criteria provided, multiple submitters, no conflicts (2 of 4 stars). 2 submissions from 2 submitters: Pathogenic (1); Likely pathogenic (1). Last evaluated 2026-01-12.

Conditions:
Familial dysautonomia. Also called: FD; HSAN III. Identifiers: Orphanet 1764, MedGen C0013364, MONDO:0009131, OMIM 223900. Disease mechanism: loss of function.

Allele frequency attached by ClinVar (database versions not stated): gnomAD exomes below 0.00001; TOPMed below 0.00001; ExAC 0.00001; gnomAD 0.00001; 1000 Genomes Project 0.00020; 1000 Genomes Project 30x 0.00047.
gnomAD v4.1: 1 of 1,614,162 alleles (0.000062%); highest among the groups gnomAD compares: Admixed American, 0.0017%; no homozygotes.

Submissions (2):

Natera, Inc.
Classification: Likely pathogenic for Familial dysautonomia. Last evaluated: 2026-01-12. Review status: criteria provided, single submitter. Criteria: Natera Variant Classification Schema (03/2026). Collection method: clinical testing. Allele origin: germline.
Comment: The c.3822G>A variant in ELP1 is a nonsense variant predicted to introduce a stop codon at amino acid 1274. This variant is expected to result in nonsense mediated decay, truncation, or a dysfunctional protein product. This variant is rare in the general population with a frequency below the threshold expected for the associated phenotype(s). Given the available evidence, this variant is classified as Likely Pathogenic.

Labcorp Genetics (formerly Invitae), Labcorp
Classification: Pathogenic. Last evaluated: 2021-06-30. Review status: criteria provided, single submitter. Criteria: Invitae Variant Classification Sherloc (09022015). Collection method: clinical testing. Allele origin: germline.
Comment: For these reasons, this variant has been classified as Pathogenic. This sequence change creates a premature translational stop signal (p.Trp1274*) in the ELP1 gene. It is expected to result in an absent or disrupted protein product. Loss-of-function variants in ELP1 are known to be pathogenic (PMID: 18303054, 24173031). This variant has not been reported in the literature in individuals affected with ELP1-related conditions. This variant is present in population databases (rs543759021, ExAC 0.009%).

Literature cited by the submitters: PubMed 18303054 (cited by Labcorp Genetics (formerly Invitae), Labcorp); PubMed 24173031 (cited by Labcorp Genetics (formerly Invitae), Labcorp).

NM_003640.5(ELP1):c.3822G>A (p.Trp1274Ter)

Gene: ELP1 (elongator acetyltransferase complex subunit 1; minus strand). Cytogenetic location: 9q31.3.
Variant type: single nucleotide variant.
Coding change: c.3822G>A on transcript NM_003640.5 (MANE Select); coding-DNA position 3822, G replaced by A.
Protein change: p.Trp1274Ter; replaces tryptophan 1274 with a stop codon.
Molecular consequence: nonsense.
Genome position (GRCh38, 1-based): chr9:108,878,028, C>T on the plus strand (G>A on the coding strand, the complement: ELP1 is on the minus strand). VCF-style: chr9-108878028-C-T. GRCh37 (hg19) VCF-style: chr9-111640308-C-T.
Other names: c.3480G>A, p.Trp1160Ter (NM_001318360.2); c.2775G>A, p.Trp925Ter (NM_001330749.2); c.3822G>A (NM_003640.4); short protein forms W1160*, W1274*, W925*.
Identifiers: ClinVar variation 1380716 (VCV001380716.7), dbSNP rs543759021, ClinGen allele CA5174182.